The following is an entry in ClinVar:

ClinVar aggregate classification (germline): Uncertain significance (1 of 4 stars; one submission).

Allele frequency attached by ClinVar (database versions not stated): gnomAD 0.00001; gnomAD exomes 0.00001; TOPMed 0.00003; ExAC 0.00008.
gnomAD v4.1: 10 of 1,569,284 alleles (0.00064%); highest among the groups gnomAD compares: African/African-American, 0.0054%; no homozygotes.

Submission:

Labcorp Genetics (formerly Invitae), Labcorp
Classification: Uncertain significance. Last evaluated: 2022-03-25. Review status: criteria provided, single submitter. Criteria: Invitae Variant Classification Sherloc (09022015). Collection method: clinical testing. Allele origin: germline.
Comment: This sequence change creates a premature translational stop signal (p.Arg2362*) in the FBN3 gene. It is expected to result in an absent or disrupted protein product. However, the current clinical and genetic evidence is not sufficient to establish whether loss-of-function variants in FBN3 cause disease. The frequency data for this variant in the population databases is considered unreliable, as metrics indicate poor data quality at this position in the gnomAD database. This variant has not been reported in the literature in individuals affected with FBN3-related conditions. In summary, the available evidence is currently insufficient to determine the role of this variant in disease. Therefore, it has been classified as a Variant of Uncertain Significance.

NM_032447.5(FBN3):c.7084C>T (p.Arg2362Ter)

Gene: FBN3 (fibrillin 3; minus strand). Cytogenetic location: 19p13.2.
Variant type: single nucleotide variant.
Coding change: c.7084C>T on transcript NM_032447.5 (MANE Select); coding-DNA position 7084, C replaced by T.
Protein change: p.Arg2362Ter; replaces arginine 2362 with a stop codon.
Molecular consequence: nonsense.
Genome position (GRCh38, 1-based): chr19:8,085,366, G>A on the plus strand (C>T on the coding strand, the complement: FBN3 is on the minus strand). VCF-style: chr19-8085366-G-A. GRCh37 (hg19) VCF-style: chr19-8150250-G-A.
Other names: c.7084C>T, p.Arg2362Ter (NM_001321431.2); short protein forms R2362*.
Identifiers: ClinVar variation 1942864 (VCV001942864.2), dbSNP rs747136319, ClinGen allele CA9151016.